The following is an entry in ClinVar:

NM_000179.3(MSH6):c.1554C>T (p.Thr518=)

Gene: MSH6 (mutS homolog 6; plus strand). Cytogenetic location: 2p16.3.
Variant type: single nucleotide variant.
Coding change: c.1554C>T on transcript NM_000179.3 (MANE Select); coding-DNA position 1554, C replaced by T.
Protein change: p.Thr518=; no amino-acid change (threonine 518 retained).
Molecular consequence: synonymous variant.
Genome position (GRCh38, 1-based): chr2:47,799,537, C>T. VCF-style: chr2-47799537-C-T. GRCh37 (hg19) VCF-style: chr2-48026676-C-T.
Other names: c.1164C>T, p.Thr388= (NM_001281492.2); c.648C>T, p.Thr216= (NM_001281493.2, NM_001281494.2).
Identifiers: ClinVar variation 184451 (VCV000184451.26), dbSNP rs786201471, ClinGen allele CA008774.
Genomic context (GRCh38, chr2:47,799,537, plus strand): 5'-GATGGCACATATATCCAAGTATGATAGAGTGGTGAGGAGGGAGATCTGTAGGATCATTAC[C>T]AAGGGTACACAGACTTACAGTGTGCTGGAAGGTGATCCCTCTGAGAACTACAGTAAGTAT-3'
Protein context (NP_000170.1, residues 508-528): VVRREICRII[Thr518=]KGTQTYSVLE

ClinVar aggregate classification (germline): Conflicting classifications of pathogenicity. Review status: criteria provided, conflicting classifications (1 of 4 stars). 11 submissions from 11 submitters: Uncertain significance (1); Benign (1); Likely benign (8). 1 of the submissions does not count toward it. Last evaluated 2026-01-16.

Conditions:
MSH6-related disorder. Also called: MSH6-related condition; MSH6-Related disorders.
Mismatch repair cancer syndrome 3. Identifiers: MedGen C5436807, MONDO:0030841, OMIM 619097.
Endometrial carcinoma. Also called: Endometrial carcinoma, somatic. Identifiers: MedGen C0476089, MONDO:0002447, OMIM 608089, HP:0012114.
Lynch syndrome 5 (LYNCH5). Also called: Hereditary non-polyposis colorectal cancer, type 5; Colorectal cancer, hereditary nonpolyposis, type 5. Identifiers: Orphanet 144, MedGen C1833477, MONDO:0013710, OMIM 614350. Disease mechanism: loss of function.
Hereditary nonpolyposis colorectal neoplasms. Identifiers: MedGen C0009405, MeSH D003123.
Hereditary cancer-predisposing syndrome. Also called: Hereditary neoplastic syndrome; Neoplastic Syndromes, Hereditary; Tumor predisposition; Hereditary Cancer Syndrome. Identifiers: Orphanet 140162, MedGen C0027672, MeSH D009386, MONDO:0015356.
Lynch syndrome. Identifiers: Orphanet 144, MedGen C4552100, MONDO:0005835. Disease mechanism: loss of function.

Allele frequency attached by ClinVar (database versions not stated): gnomAD exomes 0.00001; TOPMed 0.00001.
gnomAD v4.1: 9 of 1,614,094 alleles (0.00056%); highest among the groups gnomAD compares: Non-Finnish European, 0.00076%; no homozygotes.

Submissions (11):

Labcorp Genetics (formerly Invitae), Labcorp
Classification: Likely benign for Hereditary nonpolyposis colorectal neoplasms. Last evaluated: 2026-01-16. Review status: criteria provided, single submitter. Criteria: Invitae Variant Classification Sherloc (09022015). Collection method: clinical testing. Allele origin: germline.

Myriad Genetics, Inc.
Classification: Benign for Lynch syndrome 5. Last evaluated: 2024-12-27. Review status: criteria provided, single submitter. Criteria: Myriad Autosomal Dominant, Autosomal Recessive and X-Linked Classification Criteria (2023). Collection method: clinical testing. Allele origin: unknown.
Comment: This variant is considered benign. This variant is a silent/synonymous amino acid change and it is not expected to impact splicing.

Quest Diagnostics Nichols Institute San Juan Capistrano
Classification: Uncertain significance. Last evaluated: 2024-10-30. Review status: criteria provided, single submitter. Criteria: Quest Diagnostics criteria. Collection method: clinical testing. Allele origin: unknown.
Comment: The MSH6 c.1554C>T (p.Thr518=) synonymous variant has not been reported in individuals with MSH6-related conditions in the published literature. It also has not been reported in large, multi-ethnic general populations (Genome Aggregation Database). Analysis of this variant using software algorithms for the prediction of the effect of nucleotide changes on splicing yielded predictions that this variant does not affect MSH6 mRNA splicing. Based on the available information, we are unable to determine the clinical significance of this variant.

All of Us Research Program, National Institutes of Health
Classification: Likely benign for Lynch syndrome. Last evaluated: 2023-05-30. Review status: criteria provided, single submitter. Criteria: ACMG Guidelines, 2015. Collection method: clinical testing. Allele origin: germline. Inheritance: Autosomal dominant inheritance. Observed: 3 variant alleles, 3 heterozygotes.
Comment: This study involves interpretation of variants in research participants for the purpose of population health screening. Participant phenotype was not available at the time of variant classification. Additional details can be found in publication PMID: 35346344, PMCID: PMC8962531

Department of Pathology and Laboratory Medicine, Sinai Health System
Classification: Likely benign for Endometrial carcinoma; Lynch syndrome 5; Mismatch repair cancer syndrome 3. Last evaluated: 2021-11-12. Review status: criteria provided, single submitter. Criteria: ACMG Guidelines, 2015. Collection method: clinical testing. Allele origin: germline. Affected: no.

Women's Health and Genetics/Laboratory Corporation of America, LabCorp
Classification: Likely benign. Last evaluated: 2021-05-27. Review status: criteria provided, single submitter. Criteria: LabCorp Variant Classification Summary - May 2015. Collection method: clinical testing. Allele origin: germline.

Sema4
Classification: Likely benign for Hereditary cancer-predisposing syndrome. Last evaluated: 2021-05-17. Review status: criteria provided, single submitter. Criteria: Sema4 Curation Guidelines. Collection method: curation. Allele origin: germline.

GeneDx
Classification: Likely benign. Last evaluated: 2021-02-22. Review status: criteria provided, single submitter. Criteria: GeneDx Variant Classification Process June 2021. Collection method: clinical testing. Allele origin: germline. Affected: yes.

Color Diagnostics, LLC DBA Color Health
Classification: Likely benign for Hereditary cancer-predisposing syndrome. Last evaluated: 2017-05-01. Review status: criteria provided, single submitter. Criteria: ACMG Guidelines, 2015. Collection method: clinical testing. Allele origin: germline.

Ambry Genetics
Classification: Likely benign for Hereditary cancer-predisposing syndrome. Last evaluated: 2014-10-30. Review status: criteria provided, single submitter. Criteria: Ambry Variant Classification Scheme 2023. Collection method: clinical testing. Allele origin: germline.

PreventionGenetics, part of Exact Sciences
Classification: Likely benign for MSH6-related condition. Last evaluated: 2024-05-30. Review status: no assertion criteria provided. Collection method: clinical testing. Allele origin: germline. Not counted in ClinVar's aggregate classification.
Comment: This variant is classified as likely benign based on ACMG/AMP sequence variant interpretation guidelines (Richards et al. 2015 PMID: 25741868, with internal and published modifications).